The following is an entry in ClinVar:

NM_004004.6(GJB2):c.128T>G (p.Val43Gly)

Gene: GJB2 (gap junction protein beta 2; minus strand). Cytogenetic location: 13q12.11.
Variant type: single nucleotide variant.
Coding change: c.128T>G on transcript NM_004004.6 (MANE Select); coding-DNA position 128, T replaced by G.
Protein change: p.Val43Gly; replaces valine 43 with glycine.
Molecular consequence: missense variant.
Genome position (GRCh38, 1-based): chr13:20,189,454, A>C on the plus strand (T>G on the coding strand, the complement: GJB2 is on the minus strand). VCF-style: chr13-20189454-A-C. GRCh37 (hg19) VCF-style: chr13-20763593-A-C.
Other names: short protein forms V43G.
Identifiers: ClinVar variation 4823903 (VCV004823903.1).

ClinVar aggregate classification (germline): Likely pathogenic (1 of 4 stars; one submission).

Conditions:
Autosomal recessive nonsyndromic hearing loss 1A (DFNB1A). Also called: Nonsyndromic Hearing Loss and Deafness, DFNB1; GJB2-Related Autosomal Recessive Nonsyndromic Hearing Loss; GJB6-Related DFNB 1 Nonsyndromic Hearing Loss and Deafness; Deafness, autosomal recessive 1A; Connexin 26 deafness; Deafness nonsyndromic, Connexin 26 linked. Identifiers: Orphanet 90636, MedGen C2673759, MONDO:0009076, OMIM 220290.

Submission:

Department of Otolaryngology-Head and Neck Surgery, Shanghai Jiao Tong University Affiliated Sixth People’s Hospital
Classification: Likely pathogenic for Autosomal recessive nonsyndromic hearing loss 1A. Last evaluated: 2026-04-07. Review status: criteria provided, single submitter. Criteria: ACMG Guidelines, 2015. Collection method: provider interpretation. Allele origin: germline, inherited. Inheritance: Autosomal recessive inheritance. Affected: yes. Observed: 2 variant alleles, 2 compound heterozygotes. Clinical features observed: Hearing impairment (HP:0000365), Bilateral sensorineural hearing impairment (HP:0008619).
Comment: The following ACMG/AMP evidence was applied: PM2_Supporting (population data), PP3 (computational predictions), PP4 (phenotype specificity), PP1_Supporting (co-segregation), and PM3 (Supporting) (in trans with a known pathogenic variant c.109G>A). Specifically: PM2_Supporting: This variant is absent in gnomAD v2.1.1. PP3: Multiple in silico prediction tools (SIFT, PolyPhen-2, MutationTaster, REVEL(=0.988)) consistently predict a deleterious effect; p.Val43 is highly conserved among vertebrates. PP4: The patient presents with nonsyndromic sensorineural hearing loss, which is highly consistent with the GJB2-related deafness phenotype. PP1_Supporting: The variant co-segregates with the phenotype in the family in an autosomal recessive pattern.